The following is an entry in ClinVar:

NM_001267550.2(TTN):c.11311+2322G>A

Gene: TTN (titin; minus strand). Cytogenetic location: 2q31.2.
Variant type: single nucleotide variant.
Coding change: c.11311+2322G>A on transcript NM_001267550.2 (MANE Select); 2322 bases into the intron after coding-DNA position 11311, G replaced by A.
Molecular consequence: intron variant. On other transcripts: synonymous variant (1).
Genome position (GRCh38, 1-based): chr2:178,750,802, C>T on the plus strand (G>A on the coding strand, the complement: TTN is on the minus strand). VCF-style: chr2-178750802-C-T. GRCh37 (hg19) VCF-style: chr2-179615529-C-T.
Other names: c.11598G>A, p.Glu3866= (NM_133379.5); c.10222+2322G>A (NM_003319.4); c.10798+2322G>A (NM_133437.4); c.10597+2322G>A (NM_133432.3); c.10360+2322G>A (NM_133378.4, NM_001256850.1).
Identifiers: ClinVar variation 3044863 (VCV003044863.2), dbSNP rs2531405139, ClinGen allele CA2662154883.

ClinVar aggregate classification (germline): Likely benign (0 of 4 stars; one submission).

Conditions:
TTN-related disorder. Also called: TTN-related condition; TTN-related disease; TTN-related disorders.

Allele frequency attached by ClinVar (database versions not stated): gnomAD exomes below 0.00001.
gnomAD v4.1: 1 of 1,613,044 alleles (0.000062%); highest among the groups gnomAD compares: Admixed American, 0.0017%; no homozygotes.

Submission:

PreventionGenetics, part of Exact Sciences
Classification: Likely benign for TTN-related condition. Last evaluated: 2023-04-25. Review status: no assertion criteria provided. Collection method: clinical testing. Allele origin: germline.
Comment: This variant is classified as likely benign based on ACMG/AMP sequence variant interpretation guidelines (Richards et al. 2015 PMID: 25741868, with internal and published modifications).